The following is an entry in ClinVar:

ClinVar aggregate classification (germline): Uncertain significance. Review status: criteria provided, multiple submitters, no conflicts (2 of 4 stars). 3 submissions from 3 submitters: Uncertain significance (3). Last evaluated 2024-10-20.

Conditions:
Seizures, benign familial infantile, 3 (BFIS3). Also called: CONVULSIONS, BENIGN FAMILIAL INFANTILE, 3; Familial neonatal seizures. Identifiers: Orphanet 140927, Orphanet 306, MedGen C1843140, MONDO:0011904, OMIM 607745.
Developmental and epileptic encephalopathy, 11 (DEE11). Also called: Early infantile epileptic encephalopathy 11. Identifiers: Orphanet 1934, MedGen C3150987, MONDO:0013388, OMIM 613721.

Allele frequency attached by ClinVar (database versions not stated): TOPMed 0.00002.
gnomAD v4.1: 1 of 1,613,972 alleles (0.000062%); highest among the groups gnomAD compares: Non-Finnish European, 0.000085%; no homozygotes.

Submissions (3):

Labcorp Genetics (formerly Invitae), Labcorp
Classification: Uncertain significance for Seizures, benign familial infantile, 3; Developmental and epileptic encephalopathy, 11. Last evaluated: 2024-10-20. Review status: criteria provided, single submitter. Criteria: Invitae Variant Classification Sherloc (09022015). Collection method: clinical testing. Allele origin: germline.
Comment: This sequence change replaces aspartic acid, which is acidic and polar, with asparagine, which is neutral and polar, at codon 1037 of the SCN2A protein (p.Asp1037Asn). This variant is not present in population databases (gnomAD no frequency). This missense change has been observed in individual(s) with clinical features of SCN2A-related conditions (internal data). ClinVar contains an entry for this variant (Variation ID: 808848). Invitae Evidence Modeling of protein sequence and biophysical properties (such as structural, functional, and spatial information, amino acid conservation, physicochemical variation, residue mobility, and thermodynamic stability) indicates that this missense variant is not expected to disrupt SCN2A protein function with a negative predictive value of 95%. In summary, the available evidence is currently insufficient to determine the role of this variant in disease. Therefore, it has been classified as a Variant of Uncertain Significance.

GeneDx
Classification: Uncertain significance. Last evaluated: 2021-08-20. Review status: criteria provided, single submitter. Criteria: GeneDx Variant Classification Process June 2021. Collection method: clinical testing. Allele origin: germline. Affected: yes.
Comment: Not observed in large population cohorts (Lek et al., 2016); Missense variants in this gene are often considered pathogenic (Stenson et al., 2014); In silico analysis, which includes protein predictors and evolutionary conservation, supports that this variant does not alter protein structure/function; Has not been previously published as pathogenic or benign to our knowledge; This substitution is predicted to be in the cytoplasmic loop between the second and third homologous domains

CeGaT Center for Human Genetics Tuebingen
Classification: Uncertain significance. Last evaluated: 2019-04-01. Review status: criteria provided, single submitter. Criteria: CeGaT Center For Human Genetics Tuebingen Variant Classification Criteria Version 2. Collection method: clinical testing. Allele origin: germline. Affected: yes. Observed: 1 variant allele.

NM_001040142.2(SCN2A):c.3109G>A (p.Asp1037Asn)

Gene: SCN2A (sodium voltage-gated channel alpha subunit 2; plus strand). Cytogenetic location: 2q24.3.
Variant type: single nucleotide variant.
Coding change: c.3109G>A on transcript NM_001040142.2 (MANE Select); coding-DNA position 3109, G replaced by A.
Protein change: p.Asp1037Asn; replaces aspartic acid 1037 with asparagine.
Molecular consequence: missense variant.
Genome position (GRCh38, 1-based): chr2:165,354,381, G>A. VCF-style: chr2-165354381-G-A. GRCh37 (hg19) VCF-style: chr2-166210891-G-A.
Other names: c.3109G>A, p.Asp1037Asn (NM_001040143.2, NM_001371246.1, NM_001371247.1 and 1 more transcripts); short protein forms D1037N.
Identifiers: ClinVar variation 808848 (VCV000808848.46), dbSNP rs926542477, ClinGen allele CA59724913.
Genomic context (GRCh38, chr2:165,354,381, plus strand): 5'-GTTAAAAGAAAAATACGTGAATTTATTCAGAAAGCCTTTGTTAGGAAGCAGAAAGCTTTA[G>A]ATGAAATTAAACCGCTTGAAGATCTAAATAATAAAAAAGACAGCTGTATTTCCAACCATA-3'
Protein context (NP_001035232.1, residues 1027-1047): KAFVRKQKAL[Asp1037Asn]EIKPLEDLNN